The following is an entry in ClinVar:

NM_025137.4(SPG11):c.2026A>C (p.Lys676Gln)

Gene: SPG11 (SPG11 vesicle trafficking associated, spatacsin; minus strand). Cytogenetic location: 15q21.1.
Variant type: single nucleotide variant.
Coding change: c.2026A>C on transcript NM_025137.4 (MANE Select); coding-DNA position 2026, A replaced by C.
Protein change: p.Lys676Gln; replaces lysine 676 with glutamine.
Molecular consequence: missense variant.
Genome position (GRCh38, 1-based): chr15:44,628,710, T>G on the plus strand (A>C on the coding strand, the complement: SPG11 is on the minus strand). VCF-style: chr15-44628710-T-G. GRCh37 (hg19) VCF-style: chr15-44920908-T-G.
Other names: c.2026A>C, p.Lys676Gln (NM_001160227.2); c.2026A>C (NM_025137.3); short protein forms K676Q.
Identifiers: ClinVar variation 1429603 (VCV001429603.7), dbSNP rs775487537, ClinGen allele CA7535369.

ClinVar aggregate classification (germline): Uncertain significance. Review status: criteria provided, multiple submitters, no conflicts (2 of 4 stars). 2 submissions from 2 submitters: Uncertain significance (2). Last evaluated 2023-06-06.

Conditions:
Hereditary spastic paraplegia 11. Also called: Nakamura Osame syndrome; Autosomal recessive hereditary spastic paraplegia, mental impairment, and thin corpus callosum; Spastic Paraplegia 11; Spastic paraplegia, mental retardation and thin corpus callosum; SPASTIC PARAPLEGIA, AUTOSOMAL RECESSIVE, COMPLICATED, WITH THIN CORPUS CALLOSUM; SPASTIC PARAPLEGIA, AUTOSOMAL RECESSIVE, WITH MENTAL IMPAIRMENT AND THIN CORPUS CALLOSUM. Identifiers: Orphanet 2822, MedGen C1858479, MONDO:0011445, OMIM 604360.
Inborn genetic diseases. Identifiers: MedGen C0950123, MeSH D030342.

Allele frequency attached by ClinVar (database versions not stated): TOPMed below 0.00001; gnomAD 0.00001; gnomAD exomes 0.00001 and 0.00002; ExAC 0.00002.
gnomAD v4.1: 12 of 1,613,728 alleles (0.00074%); highest among the groups gnomAD compares: East Asian, 0.025%; no homozygotes.

Submissions (2):

Ambry Genetics
Classification: Uncertain significance for Inborn genetic diseases. Last evaluated: 2023-06-06. Review status: criteria provided, single submitter. Criteria: Ambry Variant Classification Scheme 2023. Collection method: clinical testing. Allele origin: germline.

Labcorp Genetics (formerly Invitae), Labcorp
Classification: Uncertain significance for Hereditary spastic paraplegia 11. Last evaluated: 2022-07-19. Review status: criteria provided, single submitter. Criteria: Invitae Variant Classification Sherloc (09022015). Collection method: clinical testing. Allele origin: germline.
Comment: This sequence change replaces lysine, which is basic and polar, with glutamine, which is neutral and polar, at codon 676 of the SPG11 protein (p.Lys676Gln). This variant is present in population databases (rs775487537, gnomAD 0.03%). This variant has not been reported in the literature in individuals affected with SPG11-related conditions. ClinVar contains an entry for this variant (Variation ID: 1429603). Algorithms developed to predict the effect of missense changes on protein structure and function (SIFT, PolyPhen-2, Align-GVGD) all suggest that this variant is likely to be tolerated. In summary, the available evidence is currently insufficient to determine the role of this variant in disease. Therefore, it has been classified as a Variant of Uncertain Significance.